The following is an entry in ClinVar:

ClinVar aggregate classification (germline): Pathogenic (1 of 4 stars; one submission).

Conditions:
Polycystic kidney disease, adult type (PKD1). Also called: POLYCYSTIC KIDNEY DISEASE, ADULT, TYPE I; Polycystic Kidney, Autosomal Dominant; Polycystic Kidney Disease 1, Autosomal Dominant; Polycystic kidney disease 1; Polycystic kidney disease 1, severe; POLYCYSTIC KIDNEY DISEASE 1 WITH OR WITHOUT POLYCYSTIC LIVER DISEASE. Identifiers: MedGen C3149841, MONDO:0008263, OMIM 173900.

Submission:

Variantyx, Inc.
Classification: Pathogenic for Polycystic kidney disease, adult type. Last evaluated: 2025-03-13. Review status: criteria provided, single submitter. Criteria: Variantyx Assertion Criteria 2022. Collection method: clinical testing. Allele origin: germline. Affected: yes.
Comment: This is a canonical splicing variant in the PKD1 gene (OMIM: 601313). Pathogenic variants in this gene have been associated with autosomal dominant polycystic kidney disease 1. This variant likely occurred de novo in individual(s) from the published literature; however, the possibility of parental germline mosaicism cannot be excluded (PMID: 36707240) (PS2). This splicing variant is expected to result in loss of function, which is a known disease mechanism for PKD1 in this disorder (PMID: 22008521, 9199561, 38012624) (PVS1). This variant has been reported in several unrelated affected individuals (PMID: 30333007) (PS4). This variant is absent from control populations (PM2_Supporting). Based on the current evidence, this variant is classified as pathogenic for autosomal dominant polycystic kidney disease 1.

NM_001009944.3(PKD1):c.7863+1G>C

Gene: PKD1 (polycystin 1, transient receptor potential channel interacting; minus strand). Cytogenetic location: 16p13.3.
Variant type: single nucleotide variant.
Coding change: c.7863+1G>C on transcript NM_001009944.3 (MANE Select); the canonical splice donor site of the intron after coding-DNA position 7863, G replaced by C.
Molecular consequence: splice donor variant.
Genome position (GRCh38, 1-based): chr16:2,105,864, C>G on the plus strand (G>C on the coding strand, the complement: PKD1 is on the minus strand). VCF-style: chr16-2105864-C-G. GRCh37 (hg19) VCF-style: chr16-2155865-C-G.
Other names: c.7863+1G>C (NM_000296.4).
Identifiers: ClinVar variation 4759246 (VCV004759246.1).
Genomic context (GRCh38, chr16:2,105,864, plus strand): 5'-CAGGTCTTGGTCCCAAGCACGCATGCAGCAGATGTGACGTCCCCTCCCAGGCTGCACTCA[C>G]CTCGTTCAGCACGGTGACCAGGGCCAACGAGTACTCGATGACGTGCTGGGGATCGGCCTG-3'